The following is an entry in ClinVar:

ClinVar aggregate classification (germline): Likely benign (1 of 4 stars; one submission).

Conditions:
TMPRSS6-related disorder. Also called: TMPRSS6-related condition.

Submission:

PreventionGenetics, part of Exact Sciences
Classification: Likely benign for TMPRSS6-related condition. Last evaluated: 2025-12-03. Review status: criteria provided, single submitter. Criteria: ACMG Guidelines, 2015. Collection method: clinical testing. Allele origin: germline.
Comment: This variant is classified as likely benign based on ACMG/AMP sequence variant interpretation guidelines (Richards et al. 2015 PMID: 25741868, with internal and published modifications).

NM_001374504.1(TMPRSS6):c.631+47T>G

Gene: TMPRSS6 (transmembrane serine protease 6; minus strand). Cytogenetic location: 22q12.3.
Variant type: single nucleotide variant.
Coding change: c.631+47T>G on transcript NM_001374504.1 (MANE Select); 47 bases into the intron after coding-DNA position 631, T replaced by G.
Molecular consequence: intron variant.
Genome position (GRCh38, 1-based): chr22:37,095,504, A>C on the plus strand (T>G on the coding strand, the complement: TMPRSS6 is on the minus strand). VCF-style: chr22-37095504-A-C. GRCh37 (hg19) VCF-style: chr22-37491544-A-C.
Other names: c.631+47T>G (NM_001289000.2, NM_001289001.2, NM_153609.4).
Identifiers: ClinVar variation 4995642 (VCV004995642.1).